The following is an entry in ClinVar:

ClinVar aggregate classification (germline): Pathogenic (1 of 4 stars; one submission).

Conditions:
Alagille syndrome due to a JAG1 point mutation. Also called: HEPATIC DUCTULAR HYPOPLASIA, SYNDROMATIC; Alagille Syndrome 1; JAG1-Related Alagille Syndrome. Identifiers: Orphanet 261619, Orphanet 52, MedGen C1956125, MONDO:0016862, OMIM 118450.

Submission:

Labcorp Genetics (formerly Invitae), Labcorp
Classification: Pathogenic for Alagille syndrome due to a JAG1 point mutation. Last evaluated: 2021-10-20. Review status: criteria provided, single submitter. Criteria: Invitae Variant Classification Sherloc (09022015). Collection method: clinical testing. Allele origin: germline.
Comment: For these reasons, this variant has been classified as Pathogenic. This variant has not been reported in the literature in individuals affected with JAG1-related conditions. This variant is not present in population databases (ExAC no frequency). This sequence change creates a premature translational stop signal (p.His483Leufs*2) in the JAG1 gene. It is expected to result in an absent or disrupted protein product. Loss-of-function variants in JAG1 are known to be pathogenic (PMID: 11180599).

Literature cited by the submitters: PubMed 11180599.

NM_000214.3(JAG1):c.1448_1449del (p.His483fs)

Gene: JAG1 (jagged canonical Notch ligand 1; minus strand). Cytogenetic location: 20p12.2.
Variant type: Deletion.
Coding change: c.1448_1449del on transcript NM_000214.3 (MANE Select); coding-DNA positions 1448 to 1449, 2 bases deleted (AC; older notation c.1448_1449delAC).
Protein change: p.His483fs; shifts the reading frame from histidine 483.
Molecular consequence: frameshift variant.
Genome position (GRCh38, 1-based): chr20:10,648,669-10,648,670, GT deleted on the plus strand (AC on the coding strand, the reverse complement: JAG1 is on the minus strand); deleting any 2 consecutive bases within chr20:10,648,669-10,648,671 gives the same sequence; the c. name uses the placement nearest the transcript's 3' end. VCF-style (leftmost placement, unchanged base first): chr20-10648668-AGT-A. GRCh37 (hg19) VCF-style: chr20-10629316-AGT-A.
Other names: short protein forms H483fs.
Identifiers: ClinVar variation 1416671 (VCV001416671.6), dbSNP rs2122608890, ClinGen allele CA2573156847.